The following is an entry in ClinVar:

NC_000021.8:g.(?_34619003)_(34668662_?)dup

Genes: IFNAR2 (interferon alpha and beta receptor subunit 2; plus strand), IL10RB (interleukin 10 receptor subunit beta; plus strand). Cytogenetic location: 21q22.11.
Variant type: Duplication.
Identifiers: ClinVar variation 1445676 (VCV001445676.6).

ClinVar aggregate classification (germline): Uncertain significance (1 of 4 stars; one submission).

Submission:

Labcorp Genetics (formerly Invitae), Labcorp
Classification: Uncertain significance. Last evaluated: 2022-02-02. Review status: criteria provided, single submitter. Criteria: Invitae Variant Classification Sherloc (09022015). Collection method: clinical testing. Allele origin: germline.
Comment: In summary, the available evidence is currently insufficient to determine the role of this variant in disease. Therefore, it has been classified as a Variant of Uncertain Significance. This variant has not been reported in the literature in individuals affected with IFNAR2-related conditions. This variant results in a copy number gain of the genomic region encompassing exon(s) 5-9 of the IFNAR2 gene. This region includes the termination codon of the gene. This copy number gain extends beyond the assayed region for this gene and therefore may encompass additional genes. As the precise location of this event is unknown, it may be in tandem or it may be located elsewhere in the genome.